The following is an entry in ClinVar:

ClinVar aggregate classification (germline): Pathogenic. Review status: criteria provided, multiple submitters, no conflicts (2 of 4 stars). 4 submissions from 4 submitters: Pathogenic (2). 2 of the submissions do not count toward it. Last evaluated 2023-09-21.

Conditions:
Frontotemporal dementia (FTD1). Also called: Frontotemporal lobe dementia (FLDEM); FRONTOTEMPORAL DEMENTIA WITH PARKINSONISM; FRONTOTEMPORAL LOBE DEMENTIA; WILHELMSEN-LYNCH DISEASE; FRONTOTEMPORAL LOBAR DEGENERATION WITH TAU INCLUSIONS; FTLD WITH TAU INCLUSIONS. Identifiers: Orphanet 282, MedGen C0338451, MONDO:0017276, OMIM 600274, HP:0002145.

Submissions (4):

Labcorp Genetics (formerly Invitae), Labcorp
Classification: Pathogenic for Frontotemporal dementia. Last evaluated: 2023-09-21. Review status: criteria provided, single submitter. Criteria: Invitae Variant Classification Sherloc (09022015). Collection method: clinical testing. Allele origin: germline.
Comment: For these reasons, this variant has been classified as Pathogenic. Advanced modeling of protein sequence and biophysical properties (such as structural, functional, and spatial information, amino acid conservation, physicochemical variation, residue mobility, and thermodynamic stability) performed at Invitae indicates that this missense variant is expected to disrupt MAPT protein function. ClinVar contains an entry for this variant (Variation ID: 14266). This missense change has been observed in individuals with frontotemporal dementia (PMID: 12509859, 22818528, 29253099, 33006106). This variant is not present in population databases (gnomAD no frequency). This sequence change replaces leucine, which is neutral and non-polar, with valine, which is neutral and non-polar, at codon 266 of the MAPT protein (p.Leu266Val).

Mendelics
Classification: Pathogenic for Frontotemporal dementia. Last evaluated: 2019-05-28. Review status: criteria provided, single submitter. Criteria: Mendelics Assertion Criteria 2017. Collection method: clinical testing. Allele origin: unknown.

OMIM
Classification: Pathogenic for FRONTOTEMPORAL DEMENTIA 1. Last evaluated: 2003-01-01. Review status: no assertion criteria provided. Collection method: literature only. Allele origin: germline. Not counted in ClinVar's aggregate classification.

VIB  Department of Molecular Genetics, University of Antwerp
No classification provided. Review status: no classification provided. Collection method: not provided. Allele origin: not provided. Not counted in ClinVar's aggregate classification.

Literature cited by the submitters: PubMed 12509859 (cited by Labcorp Genetics (formerly Invitae), Labcorp and OMIM); PubMed 22818528 (cited by Labcorp Genetics (formerly Invitae), Labcorp); PubMed 29253099 (cited by Labcorp Genetics (formerly Invitae), Labcorp); PubMed 33006106 (cited by Labcorp Genetics (formerly Invitae), Labcorp).

NM_001377265.1(MAPT):c.1972C>G (p.Leu658Val)

Gene: MAPT (microtubule associated protein tau). Cytogenetic location: 17q21.31.
Variant type: single nucleotide variant.
Coding change: c.1972C>G on transcript NM_001377265.1 (MANE Select); coding-DNA position 1972, C replaced by G.
Protein change: p.Leu658Val; replaces leucine 658 with valine.
Molecular consequence: missense variant. On other transcripts: non-coding transcript variant (1).
Genome position (GRCh38, 1-based): chr17:45,996,638, C>G. VCF-style: chr17-45996638-C-G. GRCh37 (hg19) VCF-style: chr17-44074004-C-G.
Other names: c.1801C>G, p.Leu601Val (NM_001123066.4); c.709C>G, p.Leu237Val (NM_001123067.4, NM_001203251.2, NM_001377267.1); c.796C>G, p.Leu266Val (NM_001203252.2, NM_005910.6); c.1774C>G, p.Leu592Val (NM_001377266.1); c.622C>G, p.Leu208Val (NM_001377268.1, NM_016834.5, NM_016841.5); c.1747C>G, p.Leu583Val (NM_016835.5); short protein forms L266V, L583V, L237V, L601V, L208V, L592V, L658V.
Identifiers: ClinVar variation 14266 (VCV000014266.6), dbSNP rs63750349, ClinGen allele CA225417.